The following is an entry in ClinVar:

NM_001365951.3(KIF1B):c.1686T>A (p.Asp562Glu)

Gene: KIF1B (kinesin family member 1B; plus strand). Cytogenetic location: 1p36.22.
Variant type: single nucleotide variant.
Coding change: c.1686T>A on transcript NM_001365951.3 (MANE Select); coding-DNA position 1686, T replaced by A.
Protein change: p.Asp562Glu; replaces aspartic acid 562 with glutamic acid.
Molecular consequence: missense variant.
Genome position (GRCh38, 1-based): chr1:10,295,675, T>A. VCF-style: chr1-10295675-T-A. GRCh37 (hg19) VCF-style: chr1-10355733-T-A.
Other names: c.1686T>A, p.Asp562Glu (NM_001365952.1); c.1548T>A, p.Asp516Glu (NM_001365953.1, NM_015074.3, NM_183416.4); short protein forms D562E, D516E.
Identifiers: ClinVar variation 4740995 (VCV004740995.1).

ClinVar aggregate classification (germline): Uncertain significance (1 of 4 stars; one submission).

Conditions:
Charcot-Marie-Tooth disease type 2. Also called: Charcot-Marie-Tooth type 2. Identifiers: Orphanet 64746, MedGen C0270914, MONDO:0018993.

Submission:

Labcorp Genetics (formerly Invitae), Labcorp
Classification: Uncertain significance for Charcot-Marie-Tooth disease type 2. Last evaluated: 2026-01-20. Review status: criteria provided, single submitter. Criteria: Invitae Variant Classification Sherloc (09022015). Collection method: clinical testing. Allele origin: germline.
Comment: This sequence change replaces aspartic acid, which is acidic and polar, with glutamic acid, which is acidic and polar, at codon 516 of the KIF1B protein (p.Asp516Glu). This variant is not present in population databases (gnomAD no frequency). This variant has not been reported in the literature in individuals affected with KIF1B-related conditions. Invitae Evidence Modeling of protein sequence and biophysical properties (such as structural, functional, and spatial information, amino acid conservation, physicochemical variation, residue mobility, and thermodynamic stability) indicates that this missense variant is not expected to disrupt KIF1B protein function with a negative predictive value of 80%. In summary, the available evidence is currently insufficient to determine the role of this variant in disease. Therefore, it has been classified as a Variant of Uncertain Significance.